The following is an entry in ClinVar:

NM_004859.4(CLTC):c.2705G>A (p.Ser902Asn)

Gene: CLTC (clathrin heavy chain; plus strand). Cytogenetic location: 17q23.1.
Variant type: single nucleotide variant.
Coding change: c.2705G>A on transcript NM_004859.4 (MANE Select); coding-DNA position 2705, G replaced by A.
Protein change: p.Ser902Asn; replaces serine 902 with asparagine.
Molecular consequence: missense variant.
Genome position (GRCh38, 1-based): chr17:59,677,097, G>A. VCF-style: chr17-59677097-G-A. GRCh37 (hg19) VCF-style: chr17-57754458-G-A.
Other names: c.2717G>A, p.Ser906Asn (NM_001288653.2); short protein forms S902N, S906N.
Identifiers: ClinVar variation 3671959 (VCV003671959.2).

ClinVar aggregate classification (germline): Uncertain significance (1 of 4 stars; one submission).

Submission:

Labcorp Genetics (formerly Invitae), Labcorp
Classification: Uncertain significance. Last evaluated: 2024-08-12. Review status: criteria provided, single submitter. Criteria: Invitae Variant Classification Sherloc (09022015). Collection method: clinical testing. Allele origin: germline.
Comment: This sequence change replaces serine, which is neutral and polar, with asparagine, which is neutral and polar, at codon 906 of the CLTC protein (p.Ser906Asn). This variant is not present in population databases (gnomAD no frequency). This variant has not been reported in the literature in individuals affected with CLTC-related conditions. Advanced modeling of protein sequence and biophysical properties (such as structural, functional, and spatial information, amino acid conservation, physicochemical variation, residue mobility, and thermodynamic stability) performed at Invitae indicates that this missense variant is expected to disrupt CLTC protein function with a positive predictive value of 80%. In summary, the available evidence is currently insufficient to determine the role of this variant in disease. Therefore, it has been classified as a Variant of Uncertain Significance.